The following is an entry in ClinVar:

NM_004699.4(FAM50A):c.111+7G>A

Genes: FAM50A (family with sequence similarity 50 member A; plus strand), LOC130068870 (ATAC-STARR-seq lymphoblastoid silent region 21104; plus strand). Cytogenetic location: Xq28.
Variant type: single nucleotide variant.
Coding change: c.111+7G>A on transcript NM_004699.4 (MANE Select); 7 bases into the intron after coding-DNA position 111, G replaced by A.
Molecular consequence: intron variant.
Genome position (GRCh38, 1-based): chrX:154,444,353, G>A. VCF-style: chrX-154444353-G-A. GRCh37 (hg19) VCF-style: chrX-153672700-G-A.
Identifiers: ClinVar variation 3388655 (VCV003388655.15).

ClinVar aggregate classification (germline): Likely benign. Review status: criteria provided, multiple submitters, no conflicts (2 of 4 stars). 2 submissions from 2 submitters: Likely benign (2). Last evaluated 2025-02-16.

gnomAD v4.1: 32 of 1,046,500 alleles (0.0031%); highest among the groups gnomAD compares: South Asian, 0.0064%; no homozygotes.

Submissions (2):

Laboratory of Genetics, Children's Clinical University Hospital Latvia
Classification: Likely benign. Last evaluated: 2025-02-16. Review status: criteria provided, single submitter. Criteria: ACMG Guidelines, 2015. Collection method: clinical testing. Allele origin: germline. Affected: yes.

CeGaT Center for Human Genetics Tuebingen
Classification: Likely benign. Last evaluated: 2024-10-01. Review status: criteria provided, single submitter. Criteria: CeGaT Center For Human Genetics Tuebingen Variant Classification Criteria Version 2. Collection method: clinical testing. Allele origin: germline. Affected: yes. Observed: 1 variant allele.
Comment: FAM50A: BP4, BS2